The following is an entry in ClinVar:

NM_002878.4(RAD51D):c.741G>A (p.Val247=)

Genes: RAD51L3-RFFL (RAD51L3-RFFL readthrough; minus strand), RAD51D (RAD51 paralog D; minus strand). Cytogenetic location: 17q12.
Variant type: single nucleotide variant.
Coding change: c.741G>A on transcript NM_002878.4 (MANE Select); coding-DNA position 741, G replaced by A.
Protein change: p.Val247=; no amino-acid change (valine 247 retained).
Molecular consequence: synonymous variant. On other transcripts: non-coding transcript variant (3).
Genome position (GRCh38, 1-based): chr17:35,101,363, C>T on the plus strand (G>A on the coding strand, the complement: RAD51D is on the minus strand). VCF-style: chr17-35101363-C-T. GRCh37 (hg19) VCF-style: chr17-33428382-C-T.
Other names: c.801G>A, p.Val267= (NM_001142571.2); c.405G>A, p.Val135= (NM_133629.3).
Identifiers: ClinVar variation 1758830 (VCV001758830.4), dbSNP rs757986080, ClinGen allele CA8499353.
Genomic context (GRCh38, chr17:35,101,363, plus strand): 5'-GGAGCGTCCGAGGGCAGGTTTGAGCCTCCCGCTGTCCCTGTCTCGAGTTATGTGGTTGGT[C>T]ACCTGCAGCAGAAACAGACTTACAGATCCATAATGCTAGTATAGAGGACATCGATTACTA-3'
Protein context (NP_002869.3, residues 237-257): LARDLGMAVV[Val247=]TNHITRDRDS

ClinVar aggregate classification (germline): Benign/Likely benign. Review status: criteria provided, multiple submitters, no conflicts (2 of 4 stars). 3 submissions from 3 submitters: Benign (1); Likely benign (2). Last evaluated 2025-08-05.

Conditions:
Hereditary cancer-predisposing syndrome. Also called: Neoplastic Syndromes, Hereditary; Tumor predisposition; Hereditary Cancer Syndrome; Hereditary neoplastic syndrome. Identifiers: Orphanet 140162, MedGen C0027672, MeSH D009386, MONDO:0015356.
Breast-ovarian cancer, familial, susceptibility to, 4. Identifiers: Orphanet 145, MedGen C3280345, MONDO:0013669, OMIM 614291.

Allele frequency attached by ClinVar (database versions not stated): ExAC 0.00001.

Submissions (3):

Labcorp Genetics (formerly Invitae), Labcorp
Classification: Likely benign for Breast-ovarian cancer, familial, susceptibility to, 4. Last evaluated: 2025-08-05. Review status: criteria provided, single submitter. Criteria: Invitae Variant Classification Sherloc (09022015). Collection method: clinical testing. Allele origin: germline.

Myriad Genetics, Inc.
Classification: Benign for Breast-ovarian cancer, familial, susceptibility to, 4. Last evaluated: 2025-02-24. Review status: criteria provided, single submitter. Criteria: Myriad Autosomal Dominant, Autosomal Recessive and X-Linked Classification Criteria (2023). Collection method: clinical testing. Allele origin: unknown.
Comment: This variant is considered benign. This variant is a silent/synonymous amino acid change and it is not expected to impact splicing.

Ambry Genetics
Classification: Likely benign for Hereditary cancer-predisposing syndrome. Last evaluated: 2022-03-25. Review status: criteria provided, single submitter. Criteria: Ambry Variant Classification Scheme 2023. Collection method: clinical testing. Allele origin: germline.